The following is an entry in ClinVar:

ClinVar aggregate classification (germline): Uncertain significance (1 of 4 stars; one submission).

Conditions:
Very long chain acyl-CoA dehydrogenase deficiency (ACADVLD). Also called: Very Long-Chain Acyl-Coenzyme A Dehydrogenase Deficiency; VLCAD Deficiency. Identifiers: Orphanet 26793, MedGen C3887523, MONDO:0008723, OMIM 201475.

Submission:

Labcorp Genetics (formerly Invitae), Labcorp
Classification: Uncertain significance for Very long chain acyl-CoA dehydrogenase deficiency. Last evaluated: 2019-09-16. Review status: criteria provided, single submitter. Criteria: Invitae Variant Classification Sherloc (09022015). Collection method: clinical testing. Allele origin: germline.
Comment: This sequence change falls in intron 15 of the ACADVL gene. It does not directly change the encoded amino acid sequence of the ACADVL protein, but it affects a nucleotide within the consensus splice site of the intron. This variant is not present in population databases (ExAC no frequency). This variant has not been reported in the literature in individuals with ACADVL-related conditions. Nucleotide substitutions within the consensus splice site are a relatively common cause of aberrant splicing (PMID: 17576681, 9536098). Algorithms developed to predict the effect of sequence changes on RNA splicing suggest that this variant is not likely to affect RNA splicing, but this prediction has not been confirmed by published transcriptional studies. In summary, the available evidence is currently insufficient to determine the role of this variant in disease. Therefore, it has been classified as a Variant of Uncertain Significance.

Literature cited by the submitters: PubMed 17576681; PubMed 9536098.

NM_000018.4(ACADVL):c.1532+6C>T

Gene: ACADVL (acyl-CoA dehydrogenase very long chain; plus strand). Cytogenetic location: 17p13.1.
Variant type: single nucleotide variant.
Coding change: c.1532+6C>T on transcript NM_000018.4 (MANE Select); 6 bases into the intron after coding-DNA position 1532, C replaced by T.
Molecular consequence: intron variant.
Genome position (GRCh38, 1-based): chr17:7,224,249, C>T. VCF-style: chr17-7224249-C-T. GRCh37 (hg19) VCF-style: chr17-7127568-C-T.
Other names: c.1601+6C>T (NM_001270447.2); c.1304+6C>T (NM_001270448.2); c.1466+6C>T (NM_001033859.3).
Identifiers: ClinVar variation 957935 (VCV000957935.5), dbSNP rs2071368248, ClinGen allele CA1139665154.
Genomic context (GRCh38, chr17:7,224,249, plus strand): 5'-ATCCCTTTGGGAATGCTGGCCTCCTGCTAGGAGAGGCAGGCAAACAGCTGAGGCGGTAGG[C>T]TTAGGGCCAGAGCCAGGGGAGGGCAGGGTGGTGTATGGCAACTAACCAGTCATTCTCCCT-3'